The following is an entry in ClinVar:

ClinVar aggregate classification (germline): Uncertain significance (1 of 4 stars; one submission).

Conditions:
Epidermodysplasia verruciformis. Identifiers: Orphanet 302, MedGen C0014522, MONDO:0009176.

Allele frequency attached by ClinVar (database versions not stated): gnomAD exomes 0.00001; TOPMed 0.00001; gnomAD 0.00002.
gnomAD v4.1: 11 of 1,519,730 alleles (0.00072%); highest among the groups gnomAD compares: Non-Finnish European, 0.00097%; no homozygotes.

Submission:

Labcorp Genetics (formerly Invitae), Labcorp
Classification: Uncertain significance for Epidermodysplasia verruciformis. Last evaluated: 2023-12-22. Review status: criteria provided, single submitter. Criteria: Invitae Variant Classification Sherloc (09022015). Collection method: clinical testing. Allele origin: germline.
Comment: This sequence change replaces arginine, which is basic and polar, with tryptophan, which is neutral and slightly polar, at codon 78 of the TMC8 protein (p.Arg78Trp). The frequency data for this variant in the population databases is considered unreliable, as metrics indicate poor data quality at this position in the gnomAD database. This variant has not been reported in the literature in individuals affected with TMC8-related conditions. ClinVar contains an entry for this variant (Variation ID: 855536). Advanced modeling of protein sequence and biophysical properties (such as structural, functional, and spatial information, amino acid conservation, physicochemical variation, residue mobility, and thermodynamic stability) performed at Invitae indicates that this missense variant is not expected to disrupt TMC8 protein function with a negative predictive value of 80%. In summary, the available evidence is currently insufficient to determine the role of this variant in disease. Therefore, it has been classified as a Variant of Uncertain Significance.

NM_152468.5(TMC8):c.232C>T (p.Arg78Trp)

Genes: TMC6 (transmembrane channel like 6; minus strand), TMC8 (transmembrane channel like 8; plus strand), LOC130061792 (ATAC-STARR-seq lymphoblastoid silent region 9043; plus strand). Cytogenetic location: 17q25.3.
Variant type: single nucleotide variant.
Coding change: c.232C>T on transcript NM_152468.5 (MANE Select); coding-DNA position 232, C replaced by T.
Protein change: p.Arg78Trp; replaces arginine 78 with tryptophan.
Molecular consequence: missense variant. On other transcripts: intron variant (1).
Genome position (GRCh38, 1-based): chr17:78,131,964, C>T. VCF-style: chr17-78131964-C-T. GRCh37 (hg19) VCF-style: chr17-76128045-C-T.
Other names: c.-75+377G>A (NM_007267.7); short protein forms R78W.
Identifiers: ClinVar variation 855536 (VCV000855536.9), dbSNP rs1035555956, ClinGen allele CA401239998.